The following is an entry in ClinVar:

NM_000465.4(BARD1):c.1985T>G (p.Leu662Arg)

Gene: BARD1 (BRCA1 associated RING domain 1; minus strand). Cytogenetic location: 2q35.
Variant type: single nucleotide variant.
Coding change: c.1985T>G on transcript NM_000465.4 (MANE Select); coding-DNA position 1985, T replaced by G.
Protein change: p.Leu662Arg; replaces leucine 662 with arginine.
Molecular consequence: missense variant. On other transcripts: non-coding transcript variant (3).
Genome position (GRCh38, 1-based): chr2:214,730,427, A>C on the plus strand (T>G on the coding strand, the complement: BARD1 is on the minus strand). VCF-style: chr2-214730427-A-C. GRCh37 (hg19) VCF-style: chr2-215595151-A-C.
Other names: c.1928T>G, p.Leu643Arg (NM_001282543.2); c.632T>G, p.Leu211Arg (NM_001282545.2); c.575T>G, p.Leu192Arg (NM_001282548.2); c.446T>G, p.Leu149Arg (NM_001282549.2); short protein forms L662R, L149R, L211R, L643R, L192R.
Identifiers: ClinVar variation 237829 (VCV000237829.32), dbSNP rs556775078, ClinGen allele CA2090110.

ClinVar aggregate classification (germline): Uncertain significance. Review status: criteria provided, multiple submitters, no conflicts (2 of 4 stars). 8 submissions from 8 submitters: Uncertain significance (8). Last evaluated 2025-12-21.

Conditions:
Hereditary cancer-predisposing syndrome. Also called: Tumor predisposition; Hereditary neoplastic syndrome; Hereditary Cancer Syndrome; Neoplastic Syndromes, Hereditary. Identifiers: Orphanet 140162, MedGen C0027672, MeSH D009386, MONDO:0015356.
Familial cancer of breast. Also called: BREAST CANCER, FAMILIAL; Hereditary breast cancer; hereditary breast carcinoma. Identifiers: Orphanet 227535, MedGen C0346153, MONDO:0016419, OMIM 114480. Disease mechanism: loss of function.

Allele frequency attached by ClinVar (database versions not stated): gnomAD 0.00007 and 0.00008; 1000 Genomes Project 0.00020; TOPMed 0.00008; 1000 Genomes Project 30x 0.00016; gnomAD exomes below 0.00001; ExAC 0.00001.
gnomAD v4.1: 13 of 1,613,716 alleles (0.00081%); highest among the groups gnomAD compares: African/African-American, 0.015%; no homozygotes.

Submissions (8):

Labcorp Genetics (formerly Invitae), Labcorp
Classification: Uncertain significance for Familial cancer of breast. Last evaluated: 2025-12-21. Review status: criteria provided, single submitter. Criteria: Invitae Variant Classification Sherloc (09022015). Collection method: clinical testing. Allele origin: germline.
Comment: This sequence change replaces leucine, which is neutral and non-polar, with arginine, which is basic and polar, at codon 662 of the BARD1 protein (p.Leu662Arg). This variant is present in population databases (rs556775078, gnomAD 0.008%). This variant has not been reported in the literature in individuals affected with BARD1-related conditions. ClinVar contains an entry for this variant (Variation ID: 237829). An algorithm developed to predict the effect of missense changes on protein structure and function (PolyPhen-2) suggests that this variant is likely to be disruptive. In summary, the available evidence is currently insufficient to determine the role of this variant in disease. Therefore, it has been classified as a Variant of Uncertain Significance.

Women's Health and Genetics/Laboratory Corporation of America, LabCorp
Classification: Uncertain significance. Last evaluated: 2025-07-14. Review status: criteria provided, single submitter. Criteria: LabCorp Variant Classification Summary - May 2015. Collection method: clinical testing. Allele origin: germline.
Comment: Variant summary: BARD1 c.1985T>G (p.Leu662Arg) results in a non-conservative amino acid change in the encoded protein sequence. Algorithms developed to predict the effect of missense changes on protein structure and function are either unavailable or do not agree on the potential impact of this missense change. The variant allele was found at a frequency of 4e-06 in 251398 control chromosomes. The available data on variant occurrences in the general population are insufficient to allow any conclusion about variant significance. To our knowledge, no occurrence of c.1985T>G in individuals affected with Breast Cancer and no experimental evidence demonstrating its impact on protein function have been reported. ClinVar contains an entry for this variant (Variation ID: 237829). Based on the evidence outlined above, the variant was classified as uncertain significance.

Dasa
Classification: Uncertain significance. Last evaluated: 2025-07-02. Review status: criteria provided, single submitter. Criteria: DASA Assertion Criteria. Collection method: clinical testing. Allele origin: germline.
Comment: NM_000465.4(BARD1):c.1985T>G (p.Leu662Arg) is a missense variant that results in the substitution of leucine with arginine. This variant is rare in population databases. Computational prediction algorithms are consistent with a benign effect. The currently available literature and clinical evidence are not sufficient to establish a definitive association between this variant and the reported condition. Therefore, this variant is classified as a variant of uncertain significance.

Ambry Genetics
Classification: Uncertain significance for Hereditary cancer-predisposing syndrome. Last evaluated: 2024-10-12. Review status: criteria provided, single submitter. Criteria: Ambry Variant Classification Scheme 2023. Collection method: clinical testing. Allele origin: germline.
Comment: The p.L662R variant (also known as c.1985T>G), located in coding exon 10 of the BARD1 gene, results from a T to G substitution at nucleotide position 1985. The leucine at codon 662 is replaced by arginine, an amino acid with dissimilar properties. This amino acid position is well conserved in available vertebrate species. In addition, the in silico prediction for this alteration is inconclusive. Since supporting evidence is limited at this time, the clinical significance of this alteration remains unclear.

GeneDx
Classification: Uncertain significance. Last evaluated: 2024-05-14. Review status: criteria provided, single submitter. Criteria: GeneDx Variant Classification Process June 2021. Collection method: clinical testing. Allele origin: germline. Affected: yes.
Comment: Not observed at significant frequency in large population cohorts (gnomAD); In silico analysis supports that this missense variant has a deleterious effect on protein structure/function; Has not been previously published as pathogenic or benign to our knowledge; This variant is associated with the following publications: (PMID: 31036035)

Color Diagnostics, LLC DBA Color Health
Classification: Uncertain significance for Hereditary cancer-predisposing syndrome. Last evaluated: 2024-03-06. Review status: criteria provided, single submitter. Criteria: ACMG Guidelines, 2015. Collection method: clinical testing. Allele origin: germline.
Comment: This missense variant replaces leucine with arginine at codon 662 of the BARD1 protein. Computational prediction suggests that this variant may not impact protein structure and function. To our knowledge, functional studies have not been reported for this variant. This variant has not been reported in individuals affected with BARD1-related disorders in the literature. This variant has been identified in 2/282796 chromosomes in the general population by the Genome Aggregation Database (gnomAD). The available evidence is insufficient to determine the role of this variant in disease conclusively. Therefore, this variant is classified as a Variant of Uncertain Significance.

Baylor Genetics
Classification: Uncertain significance for Familial cancer of breast. Last evaluated: 2024-02-06. Review status: criteria provided, single submitter. Criteria: ACMG Guidelines, 2015. Collection method: clinical testing. Allele origin: unknown.

Quest Diagnostics Nichols Institute San Juan Capistrano
Classification: Uncertain significance. Last evaluated: 2019-11-18. Review status: criteria provided, single submitter. Criteria: Quest Diagnostics criteria. Collection method: clinical testing. Allele origin: unknown.